The following is an entry in ClinVar:

NM_178335.3(CCDC50):c.227G>A (p.Arg76His)

Gene: CCDC50 (coiled-coil domain containing 50; plus strand). Cytogenetic location: 3q28.
Variant type: single nucleotide variant.
Coding change: c.227G>A on transcript NM_178335.3 (MANE Select); coding-DNA position 227, G replaced by A.
Protein change: p.Arg76His; replaces arginine 76 with histidine.
Molecular consequence: missense variant.
Genome position (GRCh38, 1-based): chr3:191,358,112, G>A. VCF-style: chr3-191358112-G-A. GRCh37 (hg19) VCF-style: chr3-191075901-G-A.
Other names: c.227G>A, p.Arg76His (NM_174908.4); c.227G>A (NM_178335.2); short protein forms R76H.
Identifiers: ClinVar variation 1376607 (VCV001376607.32), dbSNP rs138443787, ClinGen allele CA2755185.

ClinVar aggregate classification (germline): Conflicting classifications of pathogenicity. Review status: criteria provided, conflicting classifications (1 of 4 stars). 5 submissions from 5 submitters: Uncertain significance (4); Benign (1). Last evaluated 2026-06-30.

Conditions:
Autosomal dominant nonsyndromic hearing loss 44. Identifiers: Orphanet 90635, MedGen C1843895, MONDO:0011832, OMIM 607453.
CCDC50-related disorder. Also called: CCDC50-related condition.
Hearing impairment. Also called: Impaired Hearing. Identifiers: MedGen C1384666, MONDO:0005365, HP:0000365.

Allele frequency attached by ClinVar (database versions not stated): 1000 Genomes Project 30x 0.00016; 1000 Genomes Project 0.00020; gnomAD exomes 0.00027 and 0.00064; ExAC 0.00029; ESP Exome Variant Server 0.00062.

Submissions (5):

PreventionGenetics, part of Exact Sciences
Classification: Uncertain significance for CCDC50-related condition. Last evaluated: 2026-06-30. Review status: criteria provided, single submitter. Criteria: ACMG Guidelines, 2015. Collection method: clinical testing. Allele origin: germline.
Comment: The CCDC50 c.227G>A variant is predicted to result in the amino acid substitution p.Arg76His. This variant has been reported in a patient with moderate congenital sensorineural hearing loss (Vona et al. 2014. PubMed ID: 24875298). This variant is reported in 0.053% of alleles in individuals of European (Non-Finnish) descent in gnomAD. Although we suspect that this variant may be benign, at this time, the clinical significance of this variant is uncertain due to the absence of conclusive functional and genetic evidence.

Labcorp Genetics (formerly Invitae), Labcorp
Classification: Uncertain significance. Last evaluated: 2025-07-10. Review status: criteria provided, single submitter. Criteria: Invitae Variant Classification Sherloc (09022015). Collection method: clinical testing. Allele origin: germline.
Comment: This sequence change replaces arginine, which is basic and polar, with histidine, which is basic and polar, at codon 76 of the CCDC50 protein (p.Arg76His). This variant is present in population databases (rs138443787, gnomAD 0.05%), and has an allele count higher than expected for a pathogenic variant. This missense change has been observed in individual(s) with deafness (PMID: 24875298). It has also been observed to segregate with disease in related individuals. ClinVar contains an entry for this variant (Variation ID: 1376607). An algorithm developed to predict the effect of missense changes on protein structure and function (PolyPhen-2) suggests that this variant is likely to be tolerated. In summary, the available evidence is currently insufficient to determine the role of this variant in disease. Therefore, it has been classified as a Variant of Uncertain Significance.

CeGaT Center for Human Genetics Tuebingen
Classification: Uncertain significance. Last evaluated: 2023-01-01. Review status: criteria provided, single submitter. Criteria: CeGaT Center For Human Genetics Tuebingen Variant Classification Criteria Version 2. Collection method: clinical testing. Allele origin: germline. Affected: yes. Observed: 1 variant allele.

Fulgent Genetics
Classification: Uncertain significance for Autosomal dominant nonsyndromic hearing loss 44. Last evaluated: 2021-07-30. Review status: criteria provided, single submitter. Criteria: ACMG Guidelines, 2015. Collection method: clinical testing. Allele origin: unknown.

Cambridge Genomics Laboratory, East Genomic Laboratory Hub, NHS Genomic Medicine Service
Classification: Benign for Hearing impairment. Last evaluated: 2019-11-21. Review status: criteria provided, single submitter. Criteria: ACGS Best Practice Guidelines for Variant Classification in Rare Disease 2020. Collection method: clinical testing. Allele origin: germline. Affected: yes. Observed: 1 variant allele.

Literature cited by the submitters: PubMed 24875298 (cited by Labcorp Genetics (formerly Invitae), Labcorp).